The following is an entry in ClinVar:

NM_001206927.2(DNAH8):c.11602C>T (p.Arg3868Ter)

Genes: DNAH8 (dynein axonemal heavy chain 8; plus strand), DNAH8-AS1 (DNAH8 antisense RNA 1; minus strand). Cytogenetic location: 6p21.2.
Variant type: single nucleotide variant.
Coding change: c.11602C>T on transcript NM_001206927.2 (MANE Select); coding-DNA position 11602, C replaced by T.
Protein change: p.Arg3868Ter; replaces arginine 3868 with a stop codon.
Molecular consequence: nonsense.
Genome position (GRCh38, 1-based): chr6:38,938,012, C>T. VCF-style: chr6-38938012-C-T. GRCh37 (hg19) VCF-style: chr6-38905788-C-T.
Other names: c.10951C>T, p.Arg3651Ter (NM_001371.4); short protein forms R3868*, R3651*.
Identifiers: ClinVar variation 565913 (VCV000565913.7), dbSNP rs769929539, ClinGen allele CA3791134.
Genomic context (GRCh38, chr6:38,938,012, plus strand): 5'-GTTTTCCTGTTTTGAATTTCAGGCTCATTGGTAGATGACGAATCTCTCATTGGTGTACTT[C>T]GAACTACCAAGCAGACAGCAGCTGAGGTAAGTGAAAAGTTGCATGTGGCTGCAGAAACTG-3'

ClinVar aggregate classification (germline): Pathogenic (1 of 4 stars; one submission).

Conditions:
Primary ciliary dyskinesia. Also called: Ciliary dyskinesia. Identifiers: Orphanet 244, MedGen C0008780, MONDO:0016575, HP:0012265.

Allele frequency attached by ClinVar (database versions not stated): ExAC 0.00002; gnomAD exomes 0.00002; gnomAD 0.00003; TOPMed 0.00003.
gnomAD v4.1: 61 of 1,613,496 alleles (0.0038%); highest among the groups gnomAD compares: Non-Finnish European, 0.0042%; no homozygotes.

Submission:

Labcorp Genetics (formerly Invitae), Labcorp
Classification: Pathogenic for Primary ciliary dyskinesia. Last evaluated: 2024-02-24. Review status: criteria provided, single submitter. Criteria: Invitae Variant Classification Sherloc (09022015). Collection method: clinical testing. Allele origin: germline.
Comment: This sequence change creates a premature translational stop signal (p.Arg3868*) in the DNAH8 gene. It is expected to result in an absent or disrupted protein product. Loss-of-function variants in DNAH8 are known to be pathogenic (PMID: 24307375, 32619401, 32681648). This variant is present in population databases (rs769929539, gnomAD 0.007%). This variant has not been reported in the literature in individuals affected with DNAH8-related conditions. ClinVar contains an entry for this variant (Variation ID: 565913). For these reasons, this variant has been classified as Pathogenic.

Literature cited by the submitters: PubMed 24307375; PubMed 32619401; PubMed 32681648.